The following is an entry in ClinVar:

NM_004304.5(ALK):c.2584G>C (p.Glu862Gln)

Gene: ALK (ALK receptor tyrosine kinase; minus strand). Cytogenetic location: 2p23.2.
Variant type: single nucleotide variant.
Coding change: c.2584G>C on transcript NM_004304.5 (MANE Select); coding-DNA position 2584, G replaced by C.
Protein change: p.Glu862Gln; replaces glutamic acid 862 with glutamine.
Molecular consequence: missense variant.
Genome position (GRCh38, 1-based): chr2:29,232,352, C>G on the plus strand (G>C on the coding strand, the complement: ALK is on the minus strand). VCF-style: chr2-29232352-C-G. GRCh37 (hg19) VCF-style: chr2-29455218-C-G.
Other names: short protein forms E862Q.
Identifiers: ClinVar variation 2447091 (VCV002447091.6), dbSNP rs1461504517, ClinGen allele CA346471725.

ClinVar aggregate classification (germline): Uncertain significance. Review status: criteria provided, multiple submitters, no conflicts (2 of 4 stars). 2 submissions from 2 submitters: Uncertain significance (2). Last evaluated 2025-04-14.

Conditions:
Neuroblastoma, susceptibility to, 3. Also called: ALK-Related Neuroblastic Tumor Susceptibility. Identifiers: Orphanet 635, MedGen C2751681, MONDO:0013083, OMIM 613014.
Hereditary cancer-predisposing syndrome. Also called: Hereditary neoplastic syndrome; Tumor predisposition; Neoplastic Syndromes, Hereditary; Hereditary Cancer Syndrome. Identifiers: Orphanet 140162, MedGen C0027672, MeSH D009386, MONDO:0015356.

Allele frequency attached by ClinVar (database versions not stated): gnomAD exomes below 0.00001.
gnomAD v4.1: 2 of 1,614,250 alleles (0.00012%); highest among the groups gnomAD compares: South Asian, 0.0011%; no homozygotes.

Submissions (2):

Ambry Genetics
Classification: Uncertain significance for Hereditary cancer-predisposing syndrome. Last evaluated: 2025-04-14. Review status: criteria provided, single submitter. Criteria: Ambry Variant Classification Scheme 2023. Collection method: clinical testing. Allele origin: germline.
Comment: The p.E862Q variant (also known as c.2584G>C), located in coding exon 15 of the ALK gene, results from a G to C substitution at nucleotide position 2584. The glutamic acid at codon 862 is replaced by glutamine, an amino acid with highly similar properties. This amino acid position is conserved. In addition, the in silico prediction for this alteration is inconclusive. Since supporting evidence is limited at this time, the clinical significance of this alteration remains unclear.

Labcorp Genetics (formerly Invitae), Labcorp
Classification: Uncertain significance for Neuroblastoma, susceptibility to, 3. Last evaluated: 2023-09-11. Review status: criteria provided, single submitter. Criteria: Invitae Variant Classification Sherloc (09022015). Collection method: clinical testing. Allele origin: germline.
Comment: In summary, the available evidence is currently insufficient to determine the role of this variant in disease. Therefore, it has been classified as a Variant of Uncertain Significance. An algorithm developed to predict the effect of missense changes on protein structure and function (PolyPhen-2) suggests that this variant is likely to be disruptive. ClinVar contains an entry for this variant (Variation ID: 2447091). This variant has not been reported in the literature in individuals affected with ALK-related conditions. This variant is not present in population databases (gnomAD no frequency). This sequence change replaces glutamic acid, which is acidic and polar, with glutamine, which is neutral and polar, at codon 862 of the ALK protein (p.Glu862Gln).